The following is an entry in ClinVar:

ClinVar aggregate classification (germline): Conflicting classifications of pathogenicity. Review status: criteria provided, conflicting classifications (1 of 4 stars). 16 submissions from 16 submitters: Pathogenic (7); Likely pathogenic (3); Benign (1). 5 of the submissions do not count toward it. Last evaluated 2026-04-17.

Conditions:
Uncombable hair syndrome 1 (UHS1). Identifiers: Orphanet 1410, MedGen C4551573, MONDO:0020736, OMIM 191480.
PADI3-related disorder. Also called: PADI3-related condition.

Allele frequency attached by ClinVar (database versions not stated): 1000 Genomes Project 0.00280; ESP Exome Variant Server 0.00738; 1000 Genomes Project 30x 0.00250; gnomAD 0.00632 and 0.00620; TOPMed 0.00549; ExAC 0.00667; gnomAD exomes 0.00773 and 0.00677.
gnomAD v4.1: 12,204 of 1,614,098 alleles (0.76%); highest among the groups gnomAD compares: Non-Finnish European, 0.84%; 62 homozygotes.

Submissions (16):

PreventionGenetics, part of Exact Sciences
Classification: Pathogenic for PADI3-related condition. Last evaluated: 2026-04-17. Review status: criteria provided, single submitter. Criteria: ACMG Guidelines, 2015. Collection method: clinical testing. Allele origin: germline.
Comment: The PADI3 c.881C>T variant is predicted to result in the amino acid substitution p.Ala294Val. This variant has been reported in both the homozygous and compound heterozygous states as causative for uncombable hair syndrome in several patients (Basmanav et al. 2016. PubMed ID: 27866708; Drivenes et al. 2022. PubMed ID: 35279260). This variant was observed in a public database with allele frequency up to ~0.90% in European populations and 1.75% in Ashkenazi Jewish populations, respectively; 15 homozygotes of this variant were also reported out of 282,758 alleles. Although this variant is common in the general population, it is classified as pathogenic.

Variantyx, Inc.
Classification: Likely pathogenic for Uncombable hair syndrome 1. Last evaluated: 2025-06-03. Review status: criteria provided, single submitter. Criteria: Variantyx Assertion Criteria 2022. Collection method: clinical testing. Allele origin: germline. Inheritance: Autosomal recessive inheritance.
Comment: This is a nonsynonymous variant in the PADI3 gene (OMIM: 606755). Pathogenic variants in this gene have been associated with autosomal recessive uncombable hair syndrome 1. This variant has been identified in the homozygous or compound heterozygous state in at least 4 individual(s) reported in the published literature (PMID: 27866708, 35279260) (PM3). Functional studies have shown that this variant alters PADI3 protein function (PMID: 27866708) (PS3), while computational algorithms produce conflicting evidence regarding the predicted functional impact of this variant (REVEL score: 0.448). This variant has a 0.8443% maximum allele frequency in non-founder control populations. Based on the current evidence, this variant is classified as likely pathogenic for autosomal recessive uncombable hair syndrome 1.

Blueprint Genetics
Classification: Pathogenic for PADI3-related disorders. Last evaluated: 2024-11-26. Review status: criteria provided, single submitter. Criteria: ACMG Guidelines, 2015. Collection method: clinical testing. Allele origin: germline. Affected: yes. Observed: 5 variant alleles.

Mendelics
Classification: Pathogenic for Uncombable hair syndrome 1. Last evaluated: 2024-09-24. Review status: criteria provided, single submitter. Criteria: Mendelics Assertion Criteria 2019. Collection method: clinical testing. Allele origin: germline.
Comment: The PADI3 c.881C>T (p.Ala294Val) variant (rs144080386) is cited by previous literature (Basmanav et al. 2016. PubMed ID 27866708). This variant is reported as pathogenic by laboratories in ClinVar (Variation ID: 374867). GnomAD 4.1.0 frequency is 0.007561 with 62 homozygotes. It is an OMIM variant. Prediction of the impact of the variant on the resulting protein and immunofluorescence studies were performed by Basmanav et al. 2016 with results coherent with modified function.

Fulgent Genetics
Classification: Likely pathogenic for Uncombable hair syndrome 1. Last evaluated: 2024-03-14. Review status: criteria provided, single submitter. Criteria: ACMG Guidelines, 2015. Collection method: clinical testing. Allele origin: germline.

Labcorp Genetics (formerly Invitae), Labcorp
Classification: Benign. Last evaluated: 2024-01-05. Review status: criteria provided, single submitter. Criteria: Invitae Variant Classification Sherloc (09022015). Collection method: clinical testing. Allele origin: germline.

CeGaT Center for Human Genetics Tuebingen
Classification: Likely pathogenic. Last evaluated: 2023-10-01. Review status: criteria provided, single submitter. Criteria: CeGaT Center For Human Genetics Tuebingen Variant Classification Criteria Version 2. Collection method: clinical testing. Allele origin: germline. Affected: yes. Observed: 1 variant allele.
Comment: PADI3: PM3:Very Strong, PM2:Supporting

Department of Pathology and Laboratory Medicine, Sinai Health System
Classification: Pathogenic for Uncombable hair syndrome 1. Last evaluated: 2023-09-05. Review status: criteria provided, single submitter. Criteria: ACMG Guidelines, 2015. Collection method: research. Allele origin: germline.

GeneDx
Classification: Pathogenic. Last evaluated: 2022-06-19. Review status: criteria provided, single submitter. Criteria: GeneDx Variant Classification Process June 2021. Collection method: clinical testing. Allele origin: germline. Affected: yes.
Comment: Published functional studies demonstrate a damaging effect; specifically, the A294V variant is associated with decreased enzyme activity and abnormal enzyme aggregation (Basmanav et al., 2016).; In silico analysis supports that this missense variant has a deleterious effect on protein structure/function; This variant is associated with the following publications: (PMID: 29756256, 22381266, 27866708, 31952341, 34426522, 35279260, 24629392)

Genetics and Molecular Pathology, SA Pathology
Classification: Pathogenic for Uncombable hair syndrome 1. Last evaluated: 2021-05-31. Review status: criteria provided, single submitter. Criteria: ACMG Guidelines, 2015. Collection method: clinical testing. Allele origin: germline. Affected: yes.

Clinical Genetics Service, Universitary Hospital 12 de Octubre
Classification: Pathogenic for Uncombable hair syndrome 1. Review status: criteria provided, single submitter. Criteria: ACMG Guidelines, 2015. Collection method: clinical testing. Allele origin: maternal. Affected: yes.

OMIM
Classification: Pathogenic for UNCOMBABLE HAIR SYNDROME 1. Last evaluated: 2022-05-25. Review status: no assertion criteria provided. Collection method: literature only. Allele origin: germline. Not counted in ClinVar's aggregate classification.

Reproductive Health Research and Development, BGI Genomics
Classification: Pathogenic for Uncombable hair syndrome. Last evaluated: 2020-01-06. Review status: no assertion criteria provided. Collection method: curation. Allele origin: germline. Not counted in ClinVar's aggregate classification.
Comment: NM_016233.2:c.881C>T in the PADI3 gene has an allele frequency of 0.017 in Ashkenazi Jewish subpopulation in the gnomAD database. Functional studies demonstrate that c.881C>T has affected transglutaminase activity of TGM3 produced in HEK293T cells (PMID: 27866708). It was detected in multiple individuals with autosomal recessive Uncombable hair syndrome, homozygous c.881C> T(p.Ala294Val), compound heterozygous with c.335T>A (p.Leu112His) ,c.1732A>T (p.Lys578*)(PMID: 27866708). The patient's phenotype is highly specific for PADI3 gene(PMID: 27866708). Pathogenic computational verdict because pathogenic predictions from DANN, EIGEN, FATHMM-MKL, MutationAssessor, MutationTaster and SIFT. Taken together, we interprete this variant as Pathogenic/Likely pathogenic variant. ACMG/AMP criteria applied: PS3; PM3_Strong; PP4; PP3.

Diagnostic Laboratory, Department of Genetics, University Medical Center Groningen
Classification: Pathogenic. Review status: no assertion criteria provided. Collection method: clinical testing. Allele origin: germline. Affected: yes. Study: VKGL Data-share Consensus. Not counted in ClinVar's aggregate classification.

Genome Diagnostics Laboratory, University Medical Center Utrecht
Classification: Pathogenic. Review status: no assertion criteria provided. Collection method: clinical testing. Allele origin: germline. Affected: yes. Study: VKGL Data-share Consensus. Not counted in ClinVar's aggregate classification.

Joint Genome Diagnostic Labs from Nijmegen and Maastricht, Radboudumc and MUMC+
Classification: Pathogenic. Review status: no assertion criteria provided. Collection method: clinical testing. Allele origin: germline. Affected: yes. Study: VKGL Data-share Consensus. Not counted in ClinVar's aggregate classification.

Literature cited by the submitters: PubMed 27866708 (cited by Variantyx, Inc. and OMIM); PubMed 35279260 (cited by Variantyx, Inc. and OMIM); PubMed 24629392 (cited by OMIM); PubMed 22381266 (cited by OMIM).

NM_016233.2(PADI3):c.881C>T (p.Ala294Val)

Gene: PADI3 (peptidyl arginine deiminase 3; plus strand). Cytogenetic location: 1p36.13.
Variant type: single nucleotide variant.
Coding change: c.881C>T on transcript NM_016233.2 (MANE Select); coding-DNA position 881, C replaced by T.
Protein change: p.Ala294Val; replaces alanine 294 with valine.
Molecular consequence: missense variant.
Genome position (GRCh38, 1-based): chr1:17,270,928, C>T. VCF-style: chr1-17270928-C-T. GRCh37 (hg19) VCF-style: chr1-17597423-C-T.
Other names: short protein forms A294V.
Identifiers: ClinVar variation 374867 (VCV000374867.49), dbSNP rs144080386, ClinGen allele CA639859.